The following is an entry in ClinVar:

NM_015404.4(WHRN):c.634A>G (p.Lys212Glu)

Gene: WHRN (whirlin; minus strand). Cytogenetic location: 9q32.
Variant type: single nucleotide variant.
Coding change: c.634A>G on transcript NM_015404.4 (MANE Select); coding-DNA position 634, A replaced by G.
Protein change: p.Lys212Glu; replaces lysine 212 with glutamic acid.
Molecular consequence: missense variant. On other transcripts: 5 prime UTR variant (1).
Genome position (GRCh38, 1-based): chr9:114,478,756, T>C on the plus strand (A>G on the coding strand, the complement: WHRN is on the minus strand). VCF-style: chr9-114478756-T-C. GRCh37 (hg19) VCF-style: chr9-117241036-T-C.
Other names: c.-516A>G (NM_001083885.3); c.634A>G, p.Lys212Glu (NM_001173425.2); short protein forms K212E.
Identifiers: ClinVar variation 849193 (VCV000849193.7), dbSNP rs769843003, ClinGen allele CA5206222.

ClinVar aggregate classification (germline): Uncertain significance (1 of 4 stars; one submission).

Allele frequency attached by ClinVar (database versions not stated): ExAC 0.00001; gnomAD 0.00001 and 0.00002; TOPMed 0.00002.
gnomAD v4.1: 3 of 1,611,842 alleles (0.00019%); highest among the groups gnomAD compares: Non-Finnish European, 0.00025%; no homozygotes.

Submission:

Labcorp Genetics (formerly Invitae), Labcorp
Classification: Uncertain significance. Last evaluated: 2022-08-16. Review status: criteria provided, single submitter. Criteria: Invitae Variant Classification Sherloc (09022015). Collection method: clinical testing. Allele origin: germline.
Comment: This sequence change replaces lysine, which is basic and polar, with glutamic acid, which is acidic and polar, at codon 212 of the WHRN protein (p.Lys212Glu). In summary, the available evidence is currently insufficient to determine the role of this variant in disease. Therefore, it has been classified as a Variant of Uncertain Significance. Algorithms developed to predict the effect of missense changes on protein structure and function are either unavailable or do not agree on the potential impact of this missense change (SIFT: "Deleterious"; PolyPhen-2: "Possibly Damaging"; Align-GVGD: "Class C0"). ClinVar contains an entry for this variant (Variation ID: 849193). This variant has not been reported in the literature in individuals affected with WHRN-related conditions. This variant is present in population databases (rs769843003, gnomAD 0.002%).